The following is an entry in ClinVar:

ClinVar aggregate classification (germline): Uncertain significance (1 of 4 stars; one submission).

gnomAD v4.1: 5 of 1,614,184 alleles (0.00031%); highest among the groups gnomAD compares: Admixed American, 0.0067%; no homozygotes.

Submission:

Labcorp Genetics (formerly Invitae), Labcorp
Classification: Uncertain significance. Last evaluated: 2022-08-09. Review status: criteria provided, single submitter. Criteria: Invitae Variant Classification Sherloc (09022015). Collection method: clinical testing. Allele origin: germline.
Comment: This sequence change replaces alanine, which is neutral and non-polar, with serine, which is neutral and polar, at codon 645 of the HPS4 protein (p.Ala645Ser). This variant is present in population databases (rs538187229, gnomAD 0.003%). This variant has not been reported in the literature in individuals affected with HPS4-related conditions. Algorithms developed to predict the effect of missense changes on protein structure and function output the following: SIFT: "Tolerated"; PolyPhen-2: "Benign"; Align-GVGD: "Class C0". The serine amino acid residue is found in multiple mammalian species, which suggests that this missense change does not adversely affect protein function. In summary, the available evidence is currently insufficient to determine the role of this variant in disease. Therefore, it has been classified as a Variant of Uncertain Significance.

NM_022081.6(HPS4):c.1933G>T (p.Ala645Ser)

Gene: HPS4 (HPS4 biogenesis of lysosomal organelles complex 3 subunit 2; minus strand). Cytogenetic location: 22q12.1.
Variant type: single nucleotide variant.
Coding change: c.1933G>T on transcript NM_022081.6 (MANE Select); coding-DNA position 1933, G replaced by T.
Protein change: p.Ala645Ser; replaces alanine 645 with serine.
Molecular consequence: missense variant. On other transcripts: non-coding transcript variant (8), intron variant (2).
Genome position (GRCh38, 1-based): chr22:26,457,881, C>A on the plus strand (G>T on the coding strand, the complement: HPS4 is on the minus strand). VCF-style: chr22-26457881-C-A. GRCh37 (hg19) VCF-style: chr22-26853847-C-A.
Other names: c.1933G>T, p.Ala645Ser (NM_001349896.1, NM_001349898.2, NM_001349899.2 and 3 more transcripts); c.1987G>T, p.Ala663Ser (NM_001349900.2, NM_001349901.1); c.1918G>T, p.Ala640Ser (NM_152841.2); c.1714-4477G>T (NM_001349902.1, NM_001349903.2); short protein forms A645S, A640S, A663S.
Identifiers: ClinVar variation 1903642 (VCV001903642.2), dbSNP rs538187229, ClinGen allele CA10163151.